The following is an entry in ClinVar:

NM_000337.6(SGCD):c.854del (p.Asn285fs)

Gene: SGCD (sarcoglycan delta; plus strand). Cytogenetic location: 5q33.3.
Variant type: Deletion.
Coding change: c.854del on transcript NM_000337.6 (MANE Select); coding-DNA position 854, one base deleted (A; older notation c.854delA).
Protein change: p.Asn285fs; shifts the reading frame from asparagine 285.
Molecular consequence: frameshift variant.
Genome position (GRCh38, 1-based): chr5:156,759,371, A deleted; the last of 3 consecutive A bases (chr5:156,759,369-156,759,371); deleting any one gives the same sequence. VCF-style (leftmost placement, unchanged base first): chr5-156759368-TA-T. GRCh37 (hg19) VCF-style: chr5-156186379-TA-T.
Other names: c.851del, p.Asn284fs (NM_001128209.2); short protein forms N284fs, N285fs.
Identifiers: ClinVar variation 3897002 (VCV003897002.1).

ClinVar aggregate classification (germline): Uncertain significance (1 of 4 stars; one submission).

Conditions:
Autosomal recessive limb-girdle muscular dystrophy type 2F (LGMDR6). Also called: Muscular dystrophy limb-girdle with delta-sarcoglyan deficiency; MUSCULAR DYSTROPHY, LIMB-GIRDLE, AUTOSOMAL RECESSIVE 6. Identifiers: Orphanet 219, MedGen C1832525, MONDO:0011028, OMIM 601287. Disease mechanism: Affects gamma-sarcoglycan and also disrupts the integrity of the entire sarcoglycan complex..

Submission:

Kariminejad - Najmabadi Pathology & Genetics Center
Classification: Uncertain significance for Autosomal recessive limb-girdle muscular dystrophy type 2F. Last evaluated: 2023-06-24. Review status: criteria provided, single submitter. Criteria: ACMG Guidelines, 2015. Collection method: clinical testing. Allele origin: germline. Inheritance: Autosomal recessive inheritance. Affected: yes.
Comment: PVS1(Moderate),PM2